The following is an entry in ClinVar:

NM_000222.3(KIT):c.1937A>G (p.Tyr646Cys)

Gene: KIT (KIT proto-oncogene, receptor tyrosine kinase; plus strand). Cytogenetic location: 4q12.
Variant type: single nucleotide variant.
Coding change: c.1937A>G on transcript NM_000222.3 (MANE Select); coding-DNA position 1937, A replaced by G.
Protein change: p.Tyr646Cys; replaces tyrosine 646 with cysteine.
Molecular consequence: missense variant.
Genome position (GRCh38, 1-based): chr4:54,728,068, A>G. VCF-style: chr4-54728068-A-G. GRCh37 (hg19) VCF-style: chr4-55594234-A-G.
Other names: c.1925A>G, p.Tyr642Cys (NM_001385286.1, NM_001093772.2); c.1928A>G, p.Tyr643Cys (NM_001385288.1, NM_001385292.1); c.1940A>G, p.Tyr647Cys (NM_001385290.1, NM_001385284.1); c.1937A>G, p.Tyr646Cys (NM_001385285.1); short protein forms Y646C, Y647C, Y642C, Y643C.
Identifiers: ClinVar variation 1483952 (VCV001483952.6), dbSNP rs2109781765, ClinGen allele CA356908657.

ClinVar aggregate classification (germline): Uncertain significance (1 of 4 stars; one submission).

Conditions:
Gastrointestinal stromal tumor. Also called: Gastrointestinal stroma tumor; Gastrointestinal stromal tumor, somatic. Identifiers: Orphanet 44890, MedGen C0238198, MeSH D046152, MONDO:0011719, OMIM 606764, HP:0100723.

Submission:

Labcorp Genetics (formerly Invitae), Labcorp
Classification: Uncertain significance for Gastrointestinal stromal tumor. Last evaluated: 2021-08-17. Review status: criteria provided, single submitter. Criteria: Invitae Variant Classification Sherloc (09022015). Collection method: clinical testing. Allele origin: germline.
Comment: In summary, the available evidence is currently insufficient to determine the role of this variant in disease. Therefore, it has been classified as a Variant of Uncertain Significance. Algorithms developed to predict the effect of missense changes on protein structure and function (SIFT, PolyPhen-2, Align-GVGD) all suggest that this variant is likely to be disruptive. This variant has not been reported in the literature in individuals affected with KIT-related conditions. This variant is not present in population databases (ExAC no frequency). This sequence change replaces tyrosine with cysteine at codon 646 of the KIT protein (p.Tyr646Cys). The tyrosine residue is highly conserved and there is a large physicochemical difference between tyrosine and cysteine.